The following is an entry in ClinVar:

NM_007194.4(CHEK2):c.920del (p.Gly307fs)

Gene: CHEK2 (checkpoint kinase 2; minus strand). Cytogenetic location: 22q12.1.
Variant type: Deletion.
Coding change: c.920del on transcript NM_007194.4 (MANE Select); coding-DNA position 920, one base deleted (G; older notation c.920delG).
Protein change: p.Gly307fs; shifts the reading frame from glycine 307.
Molecular consequence: frameshift variant.
Genome position (GRCh38, 1-based): chr22:28,699,926, C deleted on the plus strand (G on the coding strand, the reverse complement: CHEK2 is on the minus strand); the first of 5 consecutive C bases (chr22:28,699,926-28,699,930); deleting any one gives the same sequence. VCF-style (leftmost placement, unchanged base first): chr22-28699925-TC-T. GRCh37 (hg19) VCF-style: chr22-29095913-TC-T.
Other names: c.920del (NM_007194.3); c.1045delG, p.Gly350Glufs (NM_001005735.3); c.253delG, p.Gly86Glufs (NM_001257387.3); c.715delG, p.Gly240Glufs (NM_001349956.3); c.916delG, p.Gly307Glufs (NM_145862.3); short protein forms G240fs, G307fs, G350fs, G86fs.
Identifiers: ClinVar variation 233191 (VCV000233191.16), dbSNP rs786203053, ClinGen allele CA10581062.

ClinVar aggregate classification (germline): Pathogenic. Review status: criteria provided, multiple submitters, no conflicts (2 of 4 stars). 3 submissions from 3 submitters: Pathogenic (3). Last evaluated 2025-05-07.

Conditions:
Hereditary cancer-predisposing syndrome. Also called: Neoplastic Syndromes, Hereditary; Tumor predisposition; Hereditary Cancer Syndrome; Hereditary neoplastic syndrome. Identifiers: Orphanet 140162, MedGen C0027672, MeSH D009386, MONDO:0015356.
Familial cancer of breast. Also called: BREAST CANCER, FAMILIAL; hereditary breast carcinoma; Hereditary breast cancer. Identifiers: Orphanet 227535, MedGen C0346153, MONDO:0016419, OMIM 114480. Disease mechanism: loss of function.

Submissions (3):

Ambry Genetics
Classification: Pathogenic for Hereditary cancer-predisposing syndrome. Last evaluated: 2025-05-07. Review status: criteria provided, single submitter. Criteria: Ambry Variant Classification Scheme 2023. Collection method: clinical testing. Allele origin: germline.
Comment: The c.920delG pathogenic mutation, located in coding exon 8 of the CHEK2 gene, results from a deletion of one nucleotide at nucleotide position 920, causing a translational frameshift with a predicted alternate stop codon (p.G307Efs*13). This alteration is expected to result in loss of function by premature protein truncation or nonsense-mediated mRNA decay. As such, this alteration is interpreted as a disease-causing mutation.

Myriad Genetics, Inc.
Classification: Pathogenic for Familial cancer of breast. Last evaluated: 2023-06-27. Review status: criteria provided, single submitter. Criteria: Myriad Autosomal Dominant, Autosomal Recessive and X-Linked Classification Criteria (2023). Collection method: clinical testing. Allele origin: unknown.
Comment: This variant is considered pathogenic. This variant creates a frameshift predicted to result in premature protein truncation.

Labcorp Genetics (formerly Invitae), Labcorp
Classification: Pathogenic for Familial cancer of breast. Last evaluated: 2023-01-24. Review status: criteria provided, single submitter. Criteria: Invitae Variant Classification Sherloc (09022015). Collection method: clinical testing. Allele origin: germline.
Comment: This premature translational stop signal has been observed in individual(s) with renal cell carcinoma (PMID: 34926252). For these reasons, this variant has been classified as Pathogenic. ClinVar contains an entry for this variant (Variation ID: 233191). This variant is present in population databases (no rsID available, gnomAD 0.007%). This sequence change creates a premature translational stop signal (p.Gly307Glufs*13) in the CHEK2 gene. It is expected to result in an absent or disrupted protein product. Loss-of-function variants in CHEK2 are known to be pathogenic (PMID: 21876083, 24713400).

Literature cited by the submitters: PubMed 34926252 (cited by Labcorp Genetics (formerly Invitae), Labcorp); PubMed 21876083 (cited by Labcorp Genetics (formerly Invitae), Labcorp); PubMed 24713400 (cited by Labcorp Genetics (formerly Invitae), Labcorp).